The following is an entry in ClinVar:

ClinVar aggregate classification (germline): Conflicting classifications of pathogenicity. Review status: criteria provided, conflicting classifications (1 of 4 stars). 3 submissions from 3 submitters: Uncertain significance (1); Likely benign (1). 1 of the submissions does not count toward it. Last evaluated 2025-09-23.

Conditions:
TJP2-related disorder. Also called: TJP2-related condition.

Allele frequency attached by ClinVar (database versions not stated): gnomAD 0.00013 and 0.00011; ExAC 0.00040; gnomAD exomes 0.00042 and 0.00007; 1000 Genomes Project 30x 0.00078; TOPMed 0.00015; 1000 Genomes Project 0.00080.
gnomAD v4.1: 127 of 1,611,122 alleles (0.0079%); highest among the groups gnomAD compares: East Asian, 0.27%; no homozygotes.

Submissions (3):

Labcorp Genetics (formerly Invitae), Labcorp
Classification: Likely benign. Last evaluated: 2025-09-23. Review status: criteria provided, single submitter. Criteria: Invitae Variant Classification Sherloc (09022015). Collection method: clinical testing. Allele origin: germline.

Eurofins Ntd Llc (ga)
Classification: Uncertain significance. Last evaluated: 2018-08-28. Review status: criteria provided, single submitter. Criteria: EGL ClinVar v180209 classification definitions. Collection method: clinical testing. Allele origin: germline. Observed: 1 variant allele, 1 heterozygote.

PreventionGenetics, part of Exact Sciences
Classification: Likely benign for TJP2-related condition. Last evaluated: 2020-04-02. Review status: no assertion criteria provided. Collection method: clinical testing. Allele origin: germline. Not counted in ClinVar's aggregate classification.
Comment: This variant is classified as likely benign based on ACMG/AMP sequence variant interpretation guidelines (Richards et al. 2015 PMID: 25741868, with internal and published modifications).

NM_004817.4(TJP2):c.2270C>T (p.Thr757Ile)

Gene: TJP2 (tight junction protein 2; plus strand). Cytogenetic location: 9q21.11.
Variant type: single nucleotide variant.
Coding change: c.2270C>T on transcript NM_004817.4 (MANE Select); coding-DNA position 2270, C replaced by T.
Protein change: p.Thr757Ile; replaces threonine 757 with isoleucine.
Molecular consequence: missense variant.
Genome position (GRCh38, 1-based): chr9:69,237,968, C>T. VCF-style: chr9-69237968-C-T. GRCh37 (hg19) VCF-style: chr9-71852884-C-T.
Other names: c.2270C>T, p.Thr757Ile (LRG_1201t1, NM_001369872.1, NM_001369873.1 and 1 more transcripts); c.2201C>T, p.Thr734Ile (NM_001170414.2, NM_001369871.1); c.2282C>T, p.Thr761Ile (NM_001170415.1, NM_001369874.1, NM_001369875.1); c.2363C>T, p.Thr788Ile (NM_001170416.2); c.2195C>T, p.Thr732Ile (NM_001369870.1); c.2270C>T (NM_004817.3); short protein forms T757I, T734I, T761I, T788I, T732I.
Identifiers: ClinVar variation 598510 (VCV000598510.10), dbSNP rs189443180, ClinGen allele CA5073618.